The following is an entry in ClinVar:

ClinVar aggregate classification (germline): Uncertain significance (1 of 4 stars; one submission).

Conditions:
Dilated cardiomyopathy 1W (CMD1W). Identifiers: Orphanet 154, MedGen C1969639, MONDO:0012667, OMIM 611407.

Submission:

Labcorp Genetics (formerly Invitae), Labcorp
Classification: Uncertain significance for Dilated cardiomyopathy 1W. Last evaluated: 2024-07-12. Review status: criteria provided, single submitter. Criteria: Invitae Variant Classification Sherloc (09022015). Collection method: clinical testing. Allele origin: germline.
Comment: This sequence change creates a premature translational stop signal (p.Lys830Argfs*25) in the VCL gene. It is expected to result in an absent or disrupted protein product. However, the current clinical and genetic evidence is not sufficient to establish whether loss-of-function variants in VCL cause disease. This variant is not present in population databases (gnomAD no frequency). This variant has not been reported in the literature in individuals affected with VCL-related conditions. In summary, the available evidence is currently insufficient to determine the role of this variant in disease. Therefore, it has been classified as a Variant of Uncertain Significance.

NM_014000.3(VCL):c.2489del (p.Lys830fs)

Gene: VCL (vinculin; plus strand). Cytogenetic location: 10q22.2.
Variant type: Deletion.
Coding change: c.2489del on transcript NM_014000.3 (MANE Select); coding-DNA position 2489, one base deleted (A; older notation c.2489delA).
Protein change: p.Lys830fs; shifts the reading frame from lysine 830.
Molecular consequence: frameshift variant.
Genome position (GRCh38, 1-based): chr10:74,107,284, A deleted; the last of 2 consecutive A bases (chr10:74,107,283-74,107,284); deleting either gives the same sequence. VCF-style (leftmost placement, unchanged base first): chr10-74107282-CA-C. GRCh37 (hg19) VCF-style: chr10-75867040-CA-C.
Other names: c.2489del, p.Lys830fs (NM_003373.4); short protein forms K830fs.
Identifiers: ClinVar variation 3659415 (VCV003659415.2).